The following is an entry in ClinVar:

ClinVar aggregate classification (germline): Pathogenic. Review status: criteria provided, single submitter (1 of 4 stars). 2 submissions from 2 submitters: Pathogenic (1). 1 of the submissions does not count toward it. Last evaluated 2024-01-08.

Conditions:
Charcot-Marie-Tooth disease type 2. Also called: Charcot-Marie-Tooth type 2. Identifiers: Orphanet 64746, MedGen C0270914, MONDO:0018993.

gnomAD v4.1: 1 of 1,611,088 alleles (0.000062%); highest among the groups gnomAD compares: Non-Finnish European, 0.000085%; no homozygotes.

Submissions (2):

Labcorp Genetics (formerly Invitae), Labcorp
Classification: Pathogenic for Charcot-Marie-Tooth disease type 2. Last evaluated: 2024-01-08. Review status: criteria provided, single submitter. Criteria: Invitae Variant Classification Sherloc (09022015). Collection method: clinical testing. Allele origin: germline.
Comment: This sequence change falls in intron 5 of the LMNA gene. It does not directly change the encoded amino acid sequence of the LMNA protein. RNA analysis indicates that this variant induces altered splicing and may result in an absent or disrupted protein product. This variant is not present in population databases (gnomAD no frequency). This variant has been observed in individual(s) with autosomal dominant limb-girdle muscular dystrophy (PMID: 21462202). It has also been observed to segregate with disease in related individuals. ClinVar contains an entry for this variant (Variation ID: 66957). Studies have shown that this variant results in altered splicing and introduces a premature termination codon (PMID: 21462202). The resulting mRNA is expected to undergo nonsense-mediated decay. For these reasons, this variant has been classified as Pathogenic.

Epithelial Biology;  Institute of Medical Biology, Singapore
No classification provided. Review status: no classification provided. Collection method: not provided. Allele origin: not provided. Not counted in ClinVar's aggregate classification.

Literature cited by the submitters: PubMed 21462202 (cited by Labcorp Genetics (formerly Invitae), Labcorp).

NM_170707.4(LMNA):c.937-11C>G

Gene: LMNA (lamin A/C; plus strand). Cytogenetic location: 1q22.
Variant type: single nucleotide variant.
Coding change: c.937-11C>G on transcript NM_170707.4 (MANE Select); 11 bases into the intron before coding-DNA position 937, C replaced by G.
Molecular consequence: intron variant.
Genome position (GRCh38, 1-based): chr1:156,135,890, C>G. VCF-style: chr1-156135890-C-G. GRCh37 (hg19) VCF-style: chr1-156105681-C-G.
Other names: c.937-11C>G (NM_001282625.2, NM_001282626.2, NM_170708.4 and 1 more transcripts); c.601-11C>G (NM_001257374.3); c.694-11C>G (NM_001282624.2).
Identifiers: ClinVar variation 66957 (VCV000066957.6), dbSNP rs267607645, ClinGen allele CA018858.
Genomic context (GRCh38, chr1:156,135,890, plus strand): 5'-CCGACCCACGTCCCTCCTTCCCCATACTTAGGGCCCTTGGGAGCTCACCAAACCCTCCCA[C>G]CCCCCTTCAGCTGGCAGCCAAGGAGGCGAAGCTTCGAGACCTGGAGGACTCACTGGCCCG-3'